The following is an entry in ClinVar:

ClinVar aggregate classification (germline): Uncertain significance (1 of 4 stars; one submission).

Conditions:
Progressive myoclonic epilepsy type 5. Identifiers: Orphanet 402082, MedGen C5190799.

Allele frequency attached by ClinVar (database versions not stated): gnomAD exomes below 0.00001; TOPMed below 0.00001.
gnomAD v4.1: 2 of 1,599,590 alleles (0.00013%); highest among the groups gnomAD compares: South Asian, 0.0011%; no homozygotes.

Submission:

Labcorp Genetics (formerly Invitae), Labcorp
Classification: Uncertain significance for Progressive myoclonic epilepsy type 5. Last evaluated: 2023-12-06. Review status: criteria provided, single submitter. Criteria: Invitae Variant Classification Sherloc (09022015). Collection method: clinical testing. Allele origin: germline.
Comment: This sequence change replaces serine, which is neutral and polar, with cysteine, which is neutral and slightly polar, at codon 693 of the PRICKLE2 protein (p.Ser693Cys). This variant is not present in population databases (gnomAD no frequency). This variant has not been reported in the literature in individuals affected with PRICKLE2-related conditions. Advanced modeling of protein sequence and biophysical properties (such as structural, functional, and spatial information, amino acid conservation, physicochemical variation, residue mobility, and thermodynamic stability) performed at Invitae indicates that this missense variant is not expected to disrupt PRICKLE2 protein function with a negative predictive value of 80%. In summary, the available evidence is currently insufficient to determine the role of this variant in disease. Therefore, it has been classified as a Variant of Uncertain Significance.

NM_198859.4(PRICKLE2):c.2078C>G (p.Ser693Cys)

Genes: PRICKLE2 (prickle planar cell polarity protein 2; minus strand), PRICKLE2-AS1 (PRICKLE2 antisense RNA 1; plus strand). Cytogenetic location: 3p14.1.
Variant type: single nucleotide variant.
Coding change: c.2078C>G on transcript NM_198859.4 (MANE Select); coding-DNA position 2078, C replaced by G.
Protein change: p.Ser693Cys; replaces serine 693 with cysteine.
Molecular consequence: missense variant. On other transcripts: non-coding transcript variant (1).
Genome position (GRCh38, 1-based): chr3:64,099,508, G>C on the plus strand (C>G on the coding strand, the complement: PRICKLE2 is on the minus strand). VCF-style: chr3-64099508-G-C. GRCh37 (hg19) VCF-style: chr3-64085184-G-C.
Other names: c.2078C>G, p.Ser693Cys (NM_001370528.1); short protein forms S693C.
Identifiers: ClinVar variation 2777622 (VCV002777622.3), dbSNP rs922368735, ClinGen allele CA75716045.